The following is an entry in ClinVar:

NM_000785.4(CYP27B1):c.1321del (p.His441fs)

Gene: CYP27B1 (cytochrome P450 family 27 subfamily B member 1; minus strand). Cytogenetic location: 12q14.1.
Variant type: Deletion.
Coding change: c.1321del on transcript NM_000785.4 (MANE Select); coding-DNA position 1321, one base deleted (C; older notation c.1321delC).
Protein change: p.His441fs; shifts the reading frame from histidine 441.
Molecular consequence: frameshift variant.
Genome position (GRCh38, 1-based): chr12:57,763,703, G deleted on the plus strand (C on the coding strand, the reverse complement: CYP27B1 is on the minus strand); the first of 6 consecutive G bases (chr12:57,763,703-57,763,708); deleting any one gives the same sequence. VCF-style (leftmost placement, unchanged base first): chr12-57763702-TG-T. GRCh37 (hg19) VCF-style: chr12-58157485-TG-T.
Other names: short protein forms H441fs.
Identifiers: ClinVar variation 2958141 (VCV002958141.3), dbSNP rs1565810563, ClinGen allele CA480269247.

ClinVar aggregate classification (germline): Pathogenic (1 of 4 stars; one submission).

Submission:

Labcorp Genetics (formerly Invitae), Labcorp
Classification: Pathogenic. Last evaluated: 2023-02-21. Review status: criteria provided, single submitter. Criteria: Invitae Variant Classification Sherloc (09022015). Collection method: clinical testing. Allele origin: germline.
Comment: For these reasons, this variant has been classified as Pathogenic. This variant disrupts a region of the CYP27B1 protein in which other variant(s) (p.Phe443Profs*24) have been determined to be pathogenic (PMID: 9837822, 22443290, 25296067). This suggests that this is a clinically significant region of the protein, and that variants that disrupt it are likely to be disease-causing. This variant has not been reported in the literature in individuals affected with CYP27B1-related conditions. This variant is not present in population databases (gnomAD no frequency). This sequence change creates a premature translational stop signal (p.His441Thrfs*33) in the CYP27B1 gene. While this is not anticipated to result in nonsense mediated decay, it is expected to disrupt the last 68 amino acid(s) of the CYP27B1 protein.

Literature cited by the submitters: PubMed 9837822; PubMed 22443290; PubMed 25296067.